The following is an entry in ClinVar:

NM_000051.4(ATM):c.6894A>G (p.Val2298=)

Genes: ATM (ATM serine/threonine kinase; plus strand), C11orf65 (chromosome 11 open reading frame 65; minus strand). Cytogenetic location: 11q22.3.
Variant type: single nucleotide variant.
Coding change: c.6894A>G on transcript NM_000051.4 (MANE Select); coding-DNA position 6894, A replaced by G.
Protein change: p.Val2298=; no amino-acid change (valine 2298 retained).
Molecular consequence: synonymous variant. On other transcripts: intron variant (2).
Genome position (GRCh38, 1-based): chr11:108,326,144, A>G. VCF-style: chr11-108326144-A-G. GRCh37 (hg19) VCF-style: chr11-108196871-A-G.
Other names: c.6894A>G, p.Val2298= (NM_001351834.2); c.641-17073T>C (NM_001330368.2); c.*38+9076T>C (NM_001351110.2).
Identifiers: ClinVar variation 1620710 (VCV001620710.10), dbSNP rs2136335688, ClinGen allele CA476676338.

ClinVar aggregate classification (germline): Benign/Likely benign. Review status: criteria provided, multiple submitters, no conflicts (2 of 4 stars). 2 submissions from 2 submitters: Benign (1); Likely benign (1). Last evaluated 2025-07-29.

Conditions:
Familial cancer of breast. Also called: BREAST CANCER, FAMILIAL; Hereditary breast cancer; hereditary breast carcinoma. Identifiers: Orphanet 227535, MedGen C0346153, MONDO:0016419, OMIM 114480. Disease mechanism: loss of function.
Ataxia-telangiectasia syndrome (AT). Also called: LOUIS-BAR SYNDROME; Cerebello-oculocutaneous telangiectasia; Immunodeficiency with ataxia telangiectasia; Ataxia telangiectasia (A-T); Ataxia-telangiectasia, complementation group D; AT, COMPLEMENTATION GROUP C. Identifiers: Orphanet 100, MedGen C0004135, MONDO:0008840, OMIM 208900.

Submissions (2):

Labcorp Genetics (formerly Invitae), Labcorp
Classification: Likely benign for Ataxia-telangiectasia syndrome. Last evaluated: 2025-07-29. Review status: criteria provided, single submitter. Criteria: Invitae Variant Classification Sherloc (09022015). Collection method: clinical testing. Allele origin: germline.

Myriad Genetics, Inc.
Classification: Benign for Familial cancer of breast. Last evaluated: 2024-06-12. Review status: criteria provided, single submitter. Criteria: Myriad Autosomal Dominant, Autosomal Recessive and X-Linked Classification Criteria (2023). Collection method: clinical testing. Allele origin: unknown.
Comment: This variant is considered benign. This variant is a silent/synonymous amino acid change and it is not expected to impact splicing.